The following is an entry in ClinVar:

NM_007254.4(PNKP):c.545G>A (p.Gly182Glu)

Gene: PNKP (polynucleotide kinase 3'-phosphatase; minus strand). Cytogenetic location: 19q13.33.
Variant type: single nucleotide variant.
Coding change: c.545G>A on transcript NM_007254.4 (MANE Select); coding-DNA position 545, G replaced by A.
Protein change: p.Gly182Glu; replaces glycine 182 with glutamic acid.
Molecular consequence: missense variant.
Genome position (GRCh38, 1-based): chr19:49,864,357, C>T on the plus strand (G>A on the coding strand, the complement: PNKP is on the minus strand). VCF-style: chr19-49864357-C-T. GRCh37 (hg19) VCF-style: chr19-50367614-C-T.
Other names: short protein forms G182E.
Identifiers: ClinVar variation 2571777 (VCV002571777.1), dbSNP rs757925060, ClinGen allele CA9586908.
Genomic context (GRCh38, chr19:49,864,357, plus strand): 5'-TCACTCCCTTGTTTTGCCTCTTATCACCTCCAGTCACTGGGGCCAGTGGGAAAGACCTTC[C>T]CAGAGCGTGTGGTGATGAGCGTCCCGTCCAGATCAAAGCCAGCCACCTGGTGTCACCAAG-3'
Protein context (NP_009185.2, residues 172-192): LDGTLITTRS[Gly182Glu]KVFPTGPSDW

ClinVar aggregate classification (germline): Uncertain significance (1 of 4 stars; one submission).

Allele frequency attached by ClinVar (database versions not stated): gnomAD exomes below 0.00001; TOPMed 0.00001; ExAC 0.00002; gnomAD 0.00002.
gnomAD v4.1: 5 of 1,613,964 alleles (0.00031%); highest among the groups gnomAD compares: African/African-American, 0.0053%; no homozygotes.

Submission:

GeneDx
Classification: Uncertain significance. Last evaluated: 2023-01-05. Review status: criteria provided, single submitter. Criteria: GeneDx Variant Classification Process June 2021. Collection method: clinical testing. Allele origin: germline. Affected: yes.
Comment: Not observed at significant frequency in large population cohorts (gnomAD); In silico analysis supports that this missense variant has a deleterious effect on protein structure/function; Has not been previously published as pathogenic or benign to our knowledge; This variant is associated with the following publications: (PMID: 22508754)